The following is an entry in ClinVar:

ClinVar aggregate classification (germline): Uncertain significance (1 of 4 stars; one submission).

Submission:

Women's Health and Genetics/Laboratory Corporation of America, LabCorp
Classification: Uncertain significance. Last evaluated: 2025-11-20. Review status: criteria provided, single submitter. Criteria: LabCorp Variant Classification Summary - May 2015. Collection method: clinical testing. Allele origin: germline.
Comment: Variant summary: WDFY3 c.958T>C (p.Leu320Leu) alters a nucleotide located close to a canonical splice site and therefore could affect mRNA splicing, leading to a significantly altered protein sequence. Consensus agreement among computation tools predict no significant impact on normal splicing. However, these predictions have yet to be confirmed by functional studies. The variant was absent in 243144 control chromosomes. The available data on variant occurrences in the general population are insufficient to allow any conclusion about variant significance. To our knowledge, no occurrence of c.958T>C in individuals affected with WDFY3-related conditions and no experimental evidence demonstrating its impact on protein function have been reported. No submitters have cited clinical-significance assessments for this variant to ClinVar. Based on the evidence outlined above, the variant was classified as uncertain significance.

NM_014991.6(WDFY3):c.958T>C (p.Leu320=)

Gene: WDFY3 (WD repeat and FYVE domain containing 3; minus strand). Cytogenetic location: 4q21.23.
Variant type: single nucleotide variant.
Coding change: c.958T>C on transcript NM_014991.6 (MANE Select); coding-DNA position 958, T replaced by C.
Protein change: p.Leu320=; no amino-acid change (leucine 320 retained).
Molecular consequence: synonymous variant.
Genome position (GRCh38, 1-based): chr4:84,826,980, A>G on the plus strand (T>C on the coding strand, the complement: WDFY3 is on the minus strand). VCF-style: chr4-84826980-A-G. GRCh37 (hg19) VCF-style: chr4-85748133-A-G.
Identifiers: ClinVar variation 4537262 (VCV004537262.1).